The following is an entry in ClinVar:

ClinVar aggregate classification (germline): Uncertain significance. Review status: criteria provided, multiple submitters, no conflicts (2 of 4 stars). 2 submissions from 2 submitters: Uncertain significance (2). Last evaluated 2025-04-17.

Conditions:
Hyperkalemic periodic paralysis. Also called: Familial hyperkalemic periodic paralysis; Gamstorp disease. Identifiers: Orphanet 682, MedGen C0238357, MONDO:0008224, OMIM 170500, HP:0007215.

Submissions (2):

Labcorp Genetics (formerly Invitae), Labcorp
Classification: Uncertain significance for Hyperkalemic periodic paralysis. Last evaluated: 2025-04-17. Review status: criteria provided, single submitter. Criteria: Invitae Variant Classification Sherloc (09022015). Collection method: clinical testing. Allele origin: germline.
Comment: This sequence change replaces alanine, which is neutral and non-polar, with serine, which is neutral and polar, at codon 1801 of the SCN4A protein (p.Ala1801Ser). This variant is present in population databases (rs201192904, gnomAD 0.002%). This variant has not been reported in the literature in individuals affected with SCN4A-related conditions. ClinVar contains an entry for this variant (Variation ID: 2435714). Invitae Evidence Modeling of protein sequence and biophysical properties (such as structural, functional, and spatial information, amino acid conservation, physicochemical variation, residue mobility, and thermodynamic stability) indicates that this missense variant is not expected to disrupt SCN4A protein function with a negative predictive value of 95%. In summary, the available evidence is currently insufficient to determine the role of this variant in disease. Therefore, it has been classified as a Variant of Uncertain Significance.

Revvity Omics, Revvity
Classification: Uncertain significance. Last evaluated: 2021-10-05. Review status: criteria provided, single submitter. Criteria: ACMG Guidelines, 2015. Collection method: clinical testing. Allele origin: germline.

NM_000334.4(SCN4A):c.5401G>T (p.Ala1801Ser)

Genes: GH-LCR (growth hormone locus control region; plus strand), SCN4A (sodium voltage-gated channel alpha subunit 4; minus strand). Cytogenetic location: 17q23.3.
Variant type: single nucleotide variant.
Coding change: c.5401G>T on transcript NM_000334.4 (MANE Select); coding-DNA position 5401, G replaced by T.
Protein change: p.Ala1801Ser; replaces alanine 1801 with serine.
Molecular consequence: missense variant.
Genome position (GRCh38, 1-based): chr17:63,940,881, C>A on the plus strand (G>T on the coding strand, the complement: SCN4A is on the minus strand). VCF-style: chr17-63940881-C-A. GRCh37 (hg19) VCF-style: chr17-62018241-C-A.
Other names: short protein forms A1801S.
Identifiers: ClinVar variation 2435714 (VCV002435714.4), dbSNP rs201192904, ClinGen allele CA8708763.
Genomic context (GRCh38, chr17:63,940,881, plus strand): 5'-GGGCGGGAGGCCAGGCAGTGTCTGAGGGGCTGATGGGCATCAGCCCCATAGTGGGTCCGG[C>A]GTCCCCTGCCTCGCCCTTCTCCTCCGGGCTTGGCGAGCTGCTGTTCCCATTCTCGTGGCC-3'
Protein context (NP_000325.4, residues 1791-1811): SPEEKGEAGD[Ala1801Ser]GPTMGLMPIS